The following is an entry in ClinVar:

ClinVar aggregate classification (germline): Uncertain significance (1 of 4 stars; one submission).

Allele frequency attached by ClinVar (database versions not stated): TOPMed below 0.00001; gnomAD 0.00001.
gnomAD v4.1: 2 of 1,611,198 alleles (0.00012%); highest among the groups gnomAD compares: Non-Finnish European, 0.000085%; no homozygotes.

Submission:

Labcorp Genetics (formerly Invitae), Labcorp
Classification: Uncertain significance. Last evaluated: 2023-11-04. Review status: criteria provided, single submitter. Criteria: Invitae Variant Classification Sherloc (09022015). Collection method: clinical testing. Allele origin: germline.
Comment: This sequence change replaces alanine, which is neutral and non-polar, with valine, which is neutral and non-polar, at codon 678 of the ASXL2 protein (p.Ala678Val). This variant is not present in population databases (gnomAD no frequency). This variant has not been reported in the literature in individuals affected with ASXL2-related conditions. Advanced modeling of protein sequence and biophysical properties (such as structural, functional, and spatial information, amino acid conservation, physicochemical variation, residue mobility, and thermodynamic stability) performed at Invitae indicates that this missense variant is not expected to disrupt ASXL2 protein function with a negative predictive value of 80%. In summary, the available evidence is currently insufficient to determine the role of this variant in disease. Therefore, it has been classified as a Variant of Uncertain Significance.

NM_018263.6(ASXL2):c.2033C>T (p.Ala678Val)

Gene: ASXL2 (ASXL transcriptional regulator 2; minus strand). Cytogenetic location: 2p23.3.
Variant type: single nucleotide variant.
Coding change: c.2033C>T on transcript NM_018263.6 (MANE Select); coding-DNA position 2033, C replaced by T.
Protein change: p.Ala678Val; replaces alanine 678 with valine.
Molecular consequence: missense variant.
Genome position (GRCh38, 1-based): chr2:25,744,304, G>A on the plus strand (C>T on the coding strand, the complement: ASXL2 is on the minus strand). VCF-style: chr2-25744304-G-A. GRCh37 (hg19) VCF-style: chr2-25967173-G-A.
Other names: c.1859C>T, p.Ala620Val (NM_001369346.1); c.1253C>T, p.Ala418Val (NM_001369347.1); short protein forms A418V, A620V, A678V.
Identifiers: ClinVar variation 2970158 (VCV002970158.3), dbSNP rs966099467, ClinGen allele CA346082350.